The following is an entry in ClinVar:

ClinVar aggregate classification (germline): Uncertain significance (1 of 4 stars; one submission).

Conditions:
Werner syndrome (WRN). Identifiers: Orphanet 902, MedGen C0043119, MONDO:0010196, OMIM 277700.

Allele frequency attached by ClinVar (database versions not stated): gnomAD exomes below 0.00001; gnomAD 0.00001 and 0.00003; TOPMed 0.00002.
gnomAD v4.1: 4 of 1,612,766 alleles (0.00025%); highest among the groups gnomAD compares: African/African-American, 0.004%; no homozygotes.

Submission:

Labcorp Genetics (formerly Invitae), Labcorp
Classification: Uncertain significance for Werner syndrome. Last evaluated: 2022-10-18. Review status: criteria provided, single submitter. Criteria: Invitae Variant Classification Sherloc (09022015). Collection method: clinical testing. Allele origin: germline.
Comment: This sequence change replaces arginine, which is basic and polar, with glycine, which is neutral and non-polar, at codon 854 of the WRN protein (p.Arg854Gly). This variant is not present in population databases (gnomAD no frequency). This variant has not been reported in the literature in individuals affected with WRN-related conditions. ClinVar contains an entry for this variant (Variation ID: 565397). Algorithms developed to predict the effect of missense changes on protein structure and function are either unavailable or do not agree on the potential impact of this missense change (SIFT: "Not Available"; PolyPhen-2: "Probably Damaging"; Align-GVGD: "Not Available"). In summary, the available evidence is currently insufficient to determine the role of this variant in disease. Therefore, it has been classified as a Variant of Uncertain Significance.

NM_000553.6(WRN):c.2560A>G (p.Arg854Gly)

Gene: WRN (WRN RecQ like helicase; plus strand). Cytogenetic location: 8p12.
Variant type: single nucleotide variant.
Coding change: c.2560A>G on transcript NM_000553.6 (MANE Select); coding-DNA position 2560, A replaced by G.
Protein change: p.Arg854Gly; replaces arginine 854 with glycine.
Molecular consequence: missense variant.
Genome position (GRCh38, 1-based): chr8:31,120,354, A>G. VCF-style: chr8-31120354-A-G. GRCh37 (hg19) VCF-style: chr8-30977870-A-G.
Other names: short protein forms R854G.
Identifiers: ClinVar variation 565397 (VCV000565397.5), dbSNP rs1434625727, ClinGen allele CA370915564.